The following is an entry in ClinVar:

ClinVar aggregate classification (germline): Conflicting classifications of pathogenicity. Review status: criteria provided, conflicting classifications (1 of 4 stars). 19 submissions from 15 submitters: Uncertain significance (3); Benign (6); Likely benign (9). 1 of the submissions does not count toward it. Last evaluated 2026-02-02.

Conditions:
Cardiovascular phenotype. Identifiers: MedGen CN230736.
TTN-related disorder. Also called: TTN-related disorders; TTN-related condition; TTN-related disease.
Dilated cardiomyopathy 1G (CMD1G). Identifiers: Orphanet 154, MedGen C1858763, MONDO:0011400, OMIM 604145.
Autosomal recessive limb-girdle muscular dystrophy type 2J (LGMDR10). Also called: Limb-girdle muscular dystrophy, type 2J; MUSCULAR DYSTROPHY, LIMB-GIRDLE, AUTOSOMAL RECESSIVE 10. Identifiers: Orphanet 140922, MedGen C1837342, MONDO:0012127, OMIM 608807.
Cardiomyopathy (CMYO). Also called: Cardiomyopathies. Identifiers: Orphanet 167848, MedGen C0878544, MONDO:0004994, HP:0001638. Inheritance: Various modes of inheritance.
Early-onset myopathy with fatal cardiomyopathy (CMYO5). Also called: CONGENITAL MYOPATHY 5 WITH CARDIOMYOPATHY; Salih Myopathy. Identifiers: Orphanet 289377, MedGen C2673677, MONDO:0012714, OMIM 611705. Disease mechanism: loss of function.
Myopathy, myofibrillar, 9, with early respiratory failure (MFM9). Also called: Hereditary myopathy with early respiratory failure; MYOPATHY, PROXIMAL, WITH EARLY RESPIRATORY MUSCLE INVOLVEMENT; EDSTROM MYOPATHY; Myopathy, distal, with early respiratory failure, autosomal dominant. Identifiers: Orphanet 178464, Orphanet 34521, MedGen C1863599, MONDO:0011362, OMIM 603689.
Tibial muscular dystrophy (TMD). Also called: UDD MYOPATHY; Tibial muscular dystrophy, tardive; Udd Distal Myopathy – Tibial Muscular Dystrophy. Identifiers: Orphanet 609, MedGen C1838244, MONDO:0010870, OMIM 600334.

Allele frequency attached by ClinVar (database versions not stated): gnomAD exomes 0.00011 and 0.00023; ExAC 0.00031; ESP Exome Variant Server 0.00081; gnomAD 0.00083 and 0.00092; TOPMed 0.00106; 1000 Genomes Project 0.00120; 1000 Genomes Project 30x 0.00125.
gnomAD v4.1: 303 of 1,613,694 alleles (0.019%); highest among the groups gnomAD compares: African/African-American, 0.36%; no homozygotes.

Submissions (19):

Labcorp Genetics (formerly Invitae), Labcorp
Classification: Likely benign for Dilated cardiomyopathy 1G; Autosomal recessive limb-girdle muscular dystrophy type 2J. Last evaluated: 2026-02-02. Review status: criteria provided, single submitter. Criteria: Invitae Variant Classification Sherloc (09022015). Collection method: clinical testing. Allele origin: germline.

CeGaT Center for Human Genetics Tuebingen
Classification: Likely benign. Last evaluated: 2025-08-01. Review status: criteria provided, single submitter. Criteria: CeGaT Center For Human Genetics Tuebingen Variant Classification Criteria Version 2. Collection method: clinical testing. Allele origin: germline. Affected: yes. Observed: 1 variant allele.
Comment: TTN: BP4

Molecular Diagnostic Laboratory for Inherited Cardiovascular Disease, Montreal Heart Institute
Classification: Likely benign. Last evaluated: 2025-04-09. Review status: criteria provided, single submitter. Criteria: ACMG Guidelines, 2015. Collection method: clinical testing. Allele origin: germline. Affected: no.

Blueprint Genetics
Classification: Likely benign. Last evaluated: 2024-08-09. Review status: criteria provided, single submitter. Criteria: ACMG Guidelines, 2015. Collection method: clinical testing. Allele origin: germline.

Athena Diagnostics
Classification: Benign. Last evaluated: 2024-07-05. Review status: criteria provided, single submitter. Criteria: Athena Diagnostics Criteria. Collection method: clinical testing. Allele origin: unknown.

Women's Health and Genetics/Laboratory Corporation of America, LabCorp
Classification: Benign. Last evaluated: 2023-01-16. Review status: criteria provided, single submitter. Criteria: LabCorp Variant Classification Summary - May 2015. Collection method: clinical testing. Allele origin: germline.
Comment: Variant summary: TTN c.87878A>G (p.Tyr29293Cys) results in a non-conservative amino acid change located in the A-band of the encoded protein sequence. Three of four in-silico tools predict a damaging effect of the variant on protein function. The variant allele was found at a frequency of 0.00023 in 248972 control chromosomes, predominantly at a frequency of 0.0034 within the African or African-American subpopulation in the gnomAD database. The observed variant frequency within African or African-American control individuals in the gnomAD database is approximately 9 fold of the estimated maximal expected allele frequency for a pathogenic variant in TTN causing Dilated Cardiomyopathy phenotype (0.00039), strongly suggesting that the variant is a benign polymorphism found primarily in populations of African or African-American origin. To our knowledge, no occurrence of c.87878A>G in individuals affected with Dilated Cardiomyopathy and no experimental evidence demonstrating its impact on protein function have been reported. Ten clinical diagnostic laboratories have submitted clinical-significance assessments for this variant to ClinVar after 2014 without evidence for independent evaluation (Benign/likely benign n=9, VUS n=1). Based on the evidence outlined above, the variant was classified as benign.

GeneDx
Classification: Likely benign. Last evaluated: 2021-03-01. Review status: criteria provided, single submitter. Criteria: GeneDx Variant Classification Process June 2021. Collection method: clinical testing. Allele origin: germline. Affected: yes.

Center for Advanced Laboratory Medicine, UC San Diego Health, University of California San Diego
Classification: Likely benign for Cardiomyopathy. Last evaluated: 2018-11-28. Review status: criteria provided, single submitter. Criteria: ACMG Guidelines, 2015. Collection method: clinical testing. Allele origin: germline. Affected: yes. Observed: 2 variant alleles.

Ambry Genetics
Classification: Likely benign for Cardiovascular phenotype. Last evaluated: 2018-11-20. Review status: criteria provided, single submitter. Criteria: Ambry Variant Classification Scheme 2023. Collection method: clinical testing. Allele origin: germline.

CHEO Genetics Diagnostic Laboratory, Children's Hospital of Eastern Ontario
Classification: Benign for Cardiomyopathy. Last evaluated: 2018-03-20. Review status: criteria provided, single submitter. Criteria: ACMG Guidelines, 2015. Collection method: clinical testing. Allele origin: germline.

Laboratory for Molecular Medicine, Mass General Brigham Personalized Medicine
Classification: Benign. Last evaluated: 2017-12-08. Review status: criteria provided, single submitter. Criteria: LMM Criteria. Collection method: clinical testing. Allele origin: germline. Observed: 2 variant alleles.
Comment: Tyr29293Cys in exon 293 of TTN: This variant is not expected to have clinical si gnificance because it has been identified in 0.3% (77/24022) of African chromoso mes by the Genome Aggregation Database (gnomAD, g; dbSNP rs59148238) BA1.

Illumina Laboratory Services, Illumina
Classification: Benign for Myopathy, myofibrillar, 9, with early respiratory failure. Last evaluated: 2017-05-11. Review status: criteria provided, single submitter. Criteria: ICSL Variant Classification Criteria 13 December 2019. Collection method: clinical testing. Allele origin: germline.
Comment: This variant was observed as part of a predisposition screen in an ostensibly healthy population. A literature search was performed for the gene, cDNA change, and amino acid change (where applicable). No publications were found based on this search. Allele frequency data from public databases was too high to be consistent with this variant causing disease. Therefore, this variant is classified as benign.

Illumina Laboratory Services, Illumina
Classification: Benign for Tibial muscular dystrophy. Last evaluated: 2017-05-11. Review status: criteria provided, single submitter. Criteria: ICSL Variant Classification Criteria 13 December 2019. Collection method: clinical testing. Allele origin: germline.
Comment: the same text as in the submission from Illumina Laboratory Services, Illumina above.

Illumina Laboratory Services, Illumina
Classification: Uncertain significance for Dilated cardiomyopathy 1G. Last evaluated: 2017-04-27. Review status: criteria provided, single submitter. Criteria: ICSL Variant Classification Criteria 13 December 2019. Collection method: clinical testing. Allele origin: germline.

Illumina Laboratory Services, Illumina
Classification: Uncertain significance for Autosomal recessive limb-girdle muscular dystrophy type 2J. Last evaluated: 2017-04-27. Review status: criteria provided, single submitter. Criteria: ICSL Variant Classification Criteria 13 December 2019. Collection method: clinical testing. Allele origin: germline.

Illumina Laboratory Services, Illumina
Classification: Uncertain significance for Early-onset myopathy with fatal cardiomyopathy. Last evaluated: 2017-04-27. Review status: criteria provided, single submitter. Criteria: ICSL Variant Classification Criteria 13 December 2019. Collection method: clinical testing. Allele origin: germline.

Eurofins Ntd Llc (ga)
Classification: Likely benign. Last evaluated: 2015-07-22. Review status: criteria provided, single submitter. Criteria: EGL Classification Definitions 2015. Collection method: clinical testing. Allele origin: germline. Observed: 1 variant allele, 1 heterozygote.

Biesecker Lab/Clinical Genomics Section, National Institutes of Health
Classification: Likely benign. Last evaluated: 2013-06-24. Review status: criteria provided, single submitter. Criteria: Ng et al. (Circ Cardiovasc Genet. 2013). Collection method: research. Allele origin: unknown. Observed: 1 variant allele. Study: ClinSeq.
Comment: The study set was not selected for affection status in relation to any cancer. Pathogenicity categories were based on literature curation. See Pubmed ID:23861362 for details.

Medical sequencing

PreventionGenetics, part of Exact Sciences
Classification: Likely benign for TTN-related condition. Last evaluated: 2022-01-16. Review status: no assertion criteria provided. Collection method: clinical testing. Allele origin: germline. Not counted in ClinVar's aggregate classification.
Comment: This variant is classified as likely benign based on ACMG/AMP sequence variant interpretation guidelines (Richards et al. 2015 PMID: 25741868, with internal and published modifications).

Literature cited by the submitters: PubMed 28771489 (cited by Athena Diagnostics).

NM_001267550.2(TTN):c.95582A>G (p.Tyr31861Cys)

Genes: TTN (titin; minus strand), TTN-AS1 (TTN antisense RNA 1; plus strand). Cytogenetic location: 2q31.2.
Variant type: single nucleotide variant.
Coding change: c.95582A>G on transcript NM_001267550.2 (MANE Select); coding-DNA position 95582, A replaced by G.
Protein change: p.Tyr31861Cys; replaces tyrosine 31861 with cysteine.
Molecular consequence: missense variant.
Genome position (GRCh38, 1-based): chr2:178,545,528, T>C on the plus strand (A>G on the coding strand, the complement: TTN is on the minus strand). VCF-style: chr2-178545528-T-C. GRCh37 (hg19) VCF-style: chr2-179410255-T-C.
Other names: p.Y30220C:TAT>TGT; c.68387A>G, p.Tyr22796Cys (NM_003319.4); c.68762A>G, p.Tyr22921Cys (NM_133432.3); c.68963A>G, p.Tyr22988Cys (NM_133437.4); c.90659A>G, p.Tyr30220Cys (NM_001256850.1); c.87878A>G, p.Tyr29293Cys (NM_133378.4); short protein forms Y29293C, Y31861C, Y30220C, Y22921C, Y22796C, Y22988C.
Identifiers: ClinVar variation 178166 (VCV000178166.46), dbSNP rs59148238, ClinGen allele CA181608.